The following is an entry in ClinVar:

ClinVar aggregate classification (germline): Pathogenic/Likely pathogenic. Review status: criteria provided, multiple submitters, no conflicts (2 of 4 stars). 3 submissions from 3 submitters: Pathogenic (2); Likely pathogenic (1). Last evaluated 2025-08-23.

Conditions:
Congenital disorder of deglycosylation 1. Also called: NGLY1-Related Congenital Disorder of Deglycosylation; NGLY1-deficiency. Identifiers: Orphanet 404454, MedGen CN306977, MONDO:0800044, OMIM 615273.
Congenital disorder of deglycosylation (CDDG). Identifiers: MedGen C3808991, MONDO:0031376.

Allele frequency attached by ClinVar (database versions not stated): TOPMed below 0.00001; gnomAD exomes 0.00001; ExAC 0.00002.
gnomAD v4.1: 4 of 1,613,676 alleles (0.00025%); highest among the groups gnomAD compares: South Asian, 0.0022%; no homozygotes.

Submissions (3):

GeneDx
Classification: Likely pathogenic. Last evaluated: 2025-08-23. Review status: criteria provided, single submitter. Criteria: GeneDx Variant Classification Process June 2021. Collection method: clinical testing. Allele origin: germline. Affected: yes.
Comment: Nonsense variant predicted to result in protein truncation or nonsense mediated decay in a gene for which loss of function is a known mechanism of disease; Not observed at significant frequency in large population cohorts (gnomAD); This variant is associated with the following publications: (PMID: 35243670, 36528660)

Labcorp Genetics (formerly Invitae), Labcorp
Classification: Pathogenic for Congenital disorder of deglycosylation. Last evaluated: 2023-04-29. Review status: criteria provided, single submitter. Criteria: Invitae Variant Classification Sherloc (09022015). Collection method: clinical testing. Allele origin: germline.
Comment: This sequence change creates a premature translational stop signal (p.Arg321*) in the NGLY1 gene. It is expected to result in an absent or disrupted protein product. Loss-of-function variants in NGLY1 are known to be pathogenic (PMID: 24651605). This variant is present in population databases (rs755009745, gnomAD 0.003%). This variant has not been reported in the literature in individuals affected with NGLY1-related conditions. ClinVar contains an entry for this variant (Variation ID: 817550). For these reasons, this variant has been classified as Pathogenic.

Juno Genomics, Hangzhou Juno Genomics, Inc
Classification: Pathogenic for Congenital disorder of deglycosylation 1. Review status: criteria provided, single submitter. Criteria: ACMG Guidelines, 2015. Collection method: clinical testing. Allele origin: germline.
Comment: Absent from controls (or at extremely low frequency if recessive) in Genome Aggregation Database.;Null variant in a gene where loss of function (LOF) is a known mechanism of disease.;For recessive disorders, detected in trans with a pathogenic variant.;Patient's phenotype or family history is highly specific for a disease with a single genetic etiology.

Literature cited by the submitters: PubMed 24651605 (cited by Labcorp Genetics (formerly Invitae), Labcorp).

NM_018297.4(NGLY1):c.961C>T (p.Arg321Ter)

Gene: NGLY1 (N-glycanase 1; minus strand). Cytogenetic location: 3p24.2.
Variant type: single nucleotide variant.
Coding change: c.961C>T on transcript NM_018297.4 (MANE Select); coding-DNA position 961, C replaced by T.
Protein change: p.Arg321Ter; replaces arginine 321 with a stop codon.
Molecular consequence: nonsense.
Genome position (GRCh38, 1-based): chr3:25,737,376, G>A on the plus strand (C>T on the coding strand, the complement: NGLY1 is on the minus strand). VCF-style: chr3-25737376-G-A. GRCh37 (hg19) VCF-style: chr3-25778867-G-A.
Other names: c.961C>T, p.Arg321Ter (NM_001145293.2, NM_001145295.2); c.835C>T, p.Arg279Ter (NM_001145294.2); short protein forms R279*, R321*.
Identifiers: ClinVar variation 817550 (VCV000817550.11), dbSNP rs755009745, ClinGen allele CA2289333.
Genomic context (GRCh38, chr3:25,737,376, plus strand): 5'-TCATTCCACATTCTGTACCTGTGTAATCCCAAACATAGCGAGCTTCAAACCCTACAGCTC[G>A]GCAGCACAGTGTAAAACAATTGGCCCACTCGCCACACCGTCCACATCTTGTTTCCAAAAG-3'